The following is an entry in ClinVar:

ClinVar aggregate classification (germline): Uncertain significance. Review status: criteria provided, multiple submitters, no conflicts (2 of 4 stars). 2 submissions from 2 submitters: Uncertain significance (2). Last evaluated 2025-11-11.

Conditions:
Hereditary pancreatitis (PCTT). Also called: Hereditary chronic pancreatitis; PRSS1-Related Hereditary Pancreatitis. Identifiers: Orphanet 676, MedGen C0238339, MONDO:0008185, OMIM 167800.

Allele frequency attached by ClinVar (database versions not stated): gnomAD exomes below 0.00001 and 0.00001; TOPMed below 0.00001; gnomAD 0.00001; ExAC 0.00002.
gnomAD v4.1: 5 of 1,614,034 alleles (0.00031%); highest among the groups gnomAD compares: Non-Finnish European, 0.00042%; no homozygotes.

Submissions (2):

Ambry Genetics
Classification: Uncertain significance for Hereditary pancreatitis. Last evaluated: 2025-11-11. Review status: criteria provided, single submitter. Criteria: Ambry Variant Classification Scheme 2023. Collection method: clinical testing. Allele origin: germline.
Comment: The p.L166P variant (also known as c.497T>C), located in coding exon 4 of the PRSS1 gene, results from a T to C substitution at nucleotide position 497. The leucine at codon 166 is replaced by proline, an amino acid with similar properties. This amino acid position is conserved. In addition, this alteration is predicted to be deleterious by in silico analysis. Since supporting evidence is limited at this time, the clinical significance of this alteration remains unclear.

Women's Health and Genetics/Laboratory Corporation of America, LabCorp
Classification: Uncertain significance. Last evaluated: 2021-10-19. Review status: criteria provided, single submitter. Criteria: LabCorp Variant Classification Summary - May 2015. Collection method: clinical testing. Allele origin: germline.
Comment: Variant summary: PRSS1 c.497T>C (p.Leu166Pro) results in a non-conservative amino acid change located in the Serine proteases, trypsin domain (IPR001254) of the encoded protein sequence. Five of five in-silico tools predict a damaging effect of the variant on protein function. The variant allele was found at a frequency of 8e-06 in 251490 control chromosomes. The available data on variant occurrences in the general population are insufficient to allow any conclusion about variant significance. To our knowledge, no occurrence of c.497T>C in individuals affected with Chronic Pancreatitis Risk and no experimental evidence demonstrating its impact on protein function have been reported. No clinical diagnostic laboratories have submitted clinical-significance assessments for this variant to ClinVar after 2014. Based on the evidence outlined above, the variant was classified as uncertain significance.

NM_002769.5(PRSS1):c.497T>C (p.Leu166Pro)

Genes: PRSS1 (serine protease 1; plus strand), TRB (T cell receptor beta locus; plus strand). Cytogenetic location: 7q34.
Variant type: single nucleotide variant.
Coding change: c.497T>C on transcript NM_002769.5 (MANE Select); coding-DNA position 497, T replaced by C.
Protein change: p.Leu166Pro; replaces leucine 166 with proline.
Molecular consequence: missense variant.
Genome position (GRCh38, 1-based): chr7:142,752,473, T>C. VCF-style: chr7-142752473-T-C. GRCh37 (hg19) VCF-style: chr7-142460324-T-C.
Other names: short protein forms L166P.
Identifiers: ClinVar variation 1321392 (VCV001321392.4), dbSNP rs776120935, ClinGen allele CA4530037.